The following is an entry in ClinVar:

ClinVar aggregate classification (germline): Uncertain significance. Review status: criteria provided, multiple submitters, no conflicts (2 of 4 stars). 2 submissions from 2 submitters: Uncertain significance (2). Last evaluated 2024-05-08.

Allele frequency attached by ClinVar (database versions not stated): gnomAD 0.00001; gnomAD exomes 0.00001; TOPMed 0.00002.

Submissions (2):

Blueprint Genetics
Classification: Uncertain significance. Last evaluated: 2024-05-08. Review status: criteria provided, single submitter. Criteria: ACMG Guidelines, 2015. Collection method: clinical testing. Allele origin: germline.

Labcorp Genetics (formerly Invitae), Labcorp
Classification: Uncertain significance. Last evaluated: 2022-10-17. Review status: criteria provided, single submitter. Criteria: Invitae Variant Classification Sherloc (09022015). Collection method: clinical testing. Allele origin: germline.
Comment: This sequence change replaces phenylalanine, which is neutral and non-polar, with serine, which is neutral and polar, at codon 173 of the CARMIL2 protein (p.Phe173Ser). This variant is present in population databases (no rsID available, gnomAD no frequency). This variant has not been reported in the literature in individuals affected with CARMIL2-related conditions. ClinVar contains an entry for this variant (Variation ID: 1349469). Advanced modeling of protein sequence and biophysical properties (such as structural, functional, and spatial information, amino acid conservation, physicochemical variation, residue mobility, and thermodynamic stability) has been performed at Invitae for this missense variant, however the output from this modeling did not meet the statistical confidence thresholds required to predict the impact of this variant on CARMIL2 protein function. In summary, the available evidence is currently insufficient to determine the role of this variant in disease. Therefore, it has been classified as a Variant of Uncertain Significance.

NM_001013838.3(CARMIL2):c.518T>C (p.Phe173Ser)

Gene: CARMIL2 (capping protein regulator and myosin 1 linker 2; plus strand). Cytogenetic location: 16q22.1.
Variant type: single nucleotide variant.
Coding change: c.518T>C on transcript NM_001013838.3 (MANE Select); coding-DNA position 518, T replaced by C.
Protein change: p.Phe173Ser; replaces phenylalanine 173 with serine.
Molecular consequence: missense variant.
Genome position (GRCh38, 1-based): chr16:67,646,765, T>C. VCF-style: chr16-67646765-T-C. GRCh37 (hg19) VCF-style: chr16-67680668-T-C.
Other names: c.518T>C, p.Phe173Ser (NM_001317026.3); short protein forms F173S.
Identifiers: ClinVar variation 1349469 (VCV001349469.6), dbSNP rs867927033, ClinGen allele CA283201684.